The following is an entry in ClinVar:

ClinVar aggregate classification (germline): Likely benign. Review status: criteria provided, multiple submitters, no conflicts (2 of 4 stars). 4 submissions from 4 submitters: Likely benign (4). Last evaluated 2026-01-01.

Conditions:
Primary ciliary dyskinesia. Also called: Ciliary dyskinesia. Identifiers: Orphanet 244, MedGen C0008780, MONDO:0016575, HP:0012265.

Allele frequency attached by ClinVar (database versions not stated): ESP Exome Variant Server 0.00008; TOPMed 0.00008; gnomAD exomes 0.00010; ExAC 0.00011; gnomAD 0.00011.
gnomAD v4.1: 156 of 1,613,958 alleles (0.0097%); highest among the groups gnomAD compares: Non-Finnish European, 0.013%; no homozygotes.

Submissions (4):

CeGaT Center for Human Genetics Tuebingen
Classification: Likely benign. Last evaluated: 2026-01-01. Review status: criteria provided, single submitter. Criteria: CeGaT Center For Human Genetics Tuebingen Variant Classification Criteria Version 2. Collection method: clinical testing. Allele origin: germline. Affected: yes. Observed: 2 variant alleles.
Comment: DNAH5: BP4, BP7

Labcorp Genetics (formerly Invitae), Labcorp
Classification: Likely benign for Primary ciliary dyskinesia. Last evaluated: 2025-12-17. Review status: criteria provided, single submitter. Criteria: Invitae Variant Classification Sherloc (09022015). Collection method: clinical testing. Allele origin: germline.

Blueprint Genetics
Classification: Likely benign. Last evaluated: 2024-08-12. Review status: criteria provided, single submitter. Criteria: ACMG Guidelines, 2015. Collection method: clinical testing. Allele origin: germline.

Ambry Genetics
Classification: Likely benign for Primary ciliary dyskinesia. Last evaluated: 2021-03-26. Review status: criteria provided, single submitter. Criteria: Ambry Variant Classification Scheme 2023. Collection method: clinical testing. Allele origin: germline.

NM_001369.3(DNAH5):c.4440C>T (p.Cys1480=)

Genes: DNAH5 (dynein axonemal heavy chain 5; minus strand), DNAH5-AS1 (DNAH5 antisense RNA 1; plus strand). Cytogenetic location: 5p15.2.
Variant type: single nucleotide variant.
Coding change: c.4440C>T on transcript NM_001369.3 (MANE Select); coding-DNA position 4440, C replaced by T.
Protein change: p.Cys1480=; no amino-acid change (cysteine 1480 retained).
Molecular consequence: synonymous variant.
Genome position (GRCh38, 1-based): chr5:13,864,553, G>A on the plus strand (C>T on the coding strand, the complement: DNAH5 is on the minus strand). VCF-style: chr5-13864553-G-A. GRCh37 (hg19) VCF-style: chr5-13864662-G-A.
Identifiers: ClinVar variation 1124511 (VCV001124511.36), dbSNP rs376618204, ClinGen allele CA3203978.
Genomic context (GRCh38, chr5:13,864,553, plus strand): 5'-GGTTATCCTTTCCCAGTGCCGCTCCATCATGGCTTTACTGGCCATGTATTCCAGCAGCGG[G>A]CAACACTCGCTGAAATCATCAATGATCTTCTTCAGGTCCAAAAAAGCCTGCCAGTCCTTC-3'
Protein context (NP_001360.1, residues 1470-1490): KKIIDDFSEC[Cys1480=]PLLEYMASKA